The following is an entry in ClinVar:

ClinVar aggregate classification (germline): Uncertain significance. Review status: criteria provided, multiple submitters, no conflicts (2 of 4 stars). 2 submissions from 2 submitters: Uncertain significance (2). Last evaluated 2024-07-29.

Conditions:
Hereditary nonpolyposis colorectal neoplasms. Identifiers: MedGen C0009405, MeSH D003123.
Hereditary cancer-predisposing syndrome. Also called: Hereditary Cancer Syndrome; Tumor predisposition; Hereditary neoplastic syndrome; Neoplastic Syndromes, Hereditary. Identifiers: Orphanet 140162, MedGen C0027672, MeSH D009386, MONDO:0015356.

Submissions (2):

Ambry Genetics
Classification: Uncertain significance for Hereditary cancer-predisposing syndrome. Last evaluated: 2024-07-29. Review status: criteria provided, single submitter. Criteria: Ambry Variant Classification Scheme 2023. Collection method: clinical testing. Allele origin: germline.
Comment: The p.L778V variant (also known as c.2332C>G), located in coding exon 4 of the MSH6 gene, results from a C to G substitution at nucleotide position 2332. The leucine at codon 778 is replaced by valine, an amino acid with highly similar properties. This amino acid position is highly conserved in available vertebrate species. In addition, the in silico prediction for this alteration is inconclusive. Based on the available evidence, the clinical significance of this variant remains unclear.

Labcorp Genetics (formerly Invitae), Labcorp
Classification: Uncertain significance for Hereditary nonpolyposis colorectal neoplasms. Last evaluated: 2020-07-23. Review status: criteria provided, single submitter. Criteria: Invitae Variant Classification Sherloc (09022015). Collection method: clinical testing. Allele origin: germline.
Comment: In summary, the available evidence is currently insufficient to determine the role of this variant in disease. Therefore, it has been classified as a Variant of Uncertain Significance. Algorithms developed to predict the effect of sequence changes on RNA splicing suggest that this variant may create or strengthen a splice site, but this prediction has not been confirmed by published transcriptional studies. Algorithms developed to predict the effect of missense changes on protein structure and function are either unavailable or do not agree on the potential impact of this missense change (SIFT: "Deleterious"; PolyPhen-2: "Probably Damaging"; Align-GVGD: "Class C15"). This variant has not been reported in the literature in individuals with MSH6-related conditions. This variant is not present in population databases (ExAC no frequency). This sequence change replaces leucine with valine at codon 778 of the MSH6 protein (p.Leu778Val). The leucine residue is highly conserved and there is a small physicochemical difference between leucine and valine.

NM_000179.3(MSH6):c.2332C>G (p.Leu778Val)

Gene: MSH6 (mutS homolog 6; plus strand). Cytogenetic location: 2p16.3.
Variant type: single nucleotide variant.
Coding change: c.2332C>G on transcript NM_000179.3 (MANE Select); coding-DNA position 2332, C replaced by G.
Protein change: p.Leu778Val; replaces leucine 778 with valine.
Molecular consequence: missense variant.
Genome position (GRCh38, 1-based): chr2:47,800,315, C>G. VCF-style: chr2-47800315-C-G. GRCh37 (hg19) VCF-style: chr2-48027454-C-G.
Other names: c.2332C>G (NM_000179.2); c.1942C>G, p.Leu648Val (NM_001281492.2); c.1426C>G, p.Leu476Val (NM_001281493.2, NM_001281494.2); short protein forms L476V, L648V, L778V.
Identifiers: ClinVar variation 1055294 (VCV001055294.10), dbSNP rs1276682605, ClinGen allele CA346753377.